The following is an entry in ClinVar:

ClinVar aggregate classification (germline): Uncertain significance (1 of 4 stars; one submission).

Conditions:
Familial melanoma. Also called: Hereditary melanoma; Hereditary cutaneous melanoma. Identifiers: Orphanet 618, MedGen C1512419, MONDO:0018961.

Submission:

Labcorp Genetics (formerly Invitae), Labcorp
Classification: Uncertain significance for Familial melanoma. Last evaluated: 2026-01-04. Review status: criteria provided, single submitter. Criteria: Invitae Variant Classification Sherloc (09022015). Collection method: clinical testing. Allele origin: germline.
Comment: This sequence change replaces proline, which is neutral and non-polar, with serine, which is neutral and polar, at codon 183 of the CDK4 protein (p.Pro183Ser). This variant is not present in population databases (gnomAD no frequency). This variant has not been reported in the literature in individuals affected with CDK4-related conditions. Invitae Evidence Modeling of protein sequence and biophysical properties (such as structural, functional, and spatial information, amino acid conservation, physicochemical variation, residue mobility, and thermodynamic stability) indicates that this missense variant is expected to disrupt CDK4 protein function with a positive predictive value of 95%. In summary, the available evidence is currently insufficient to determine the role of this variant in disease. Therefore, it has been classified as a Variant of Uncertain Significance.

NM_000075.4(CDK4):c.547C>T (p.Pro183Ser)

Gene: CDK4 (cyclin dependent kinase 4; minus strand). Cytogenetic location: 12q14.1.
Variant type: single nucleotide variant.
Coding change: c.547C>T on transcript NM_000075.4 (MANE Select); coding-DNA position 547, C replaced by T.
Protein change: p.Pro183Ser; replaces proline 183 with serine.
Molecular consequence: missense variant.
Genome position (GRCh38, 1-based): chr12:57,750,741, G>A on the plus strand (C>T on the coding strand, the complement: CDK4 is on the minus strand). VCF-style: chr12-57750741-G-A. GRCh37 (hg19) VCF-style: chr12-58144524-G-A.
Other names: short protein forms P183S.
Identifiers: ClinVar variation 4803057 (VCV004803057.1).